The following is an entry in ClinVar:

ClinVar aggregate classification (germline): Conflicting classifications of pathogenicity. Review status: criteria provided, conflicting classifications (1 of 4 stars). 6 submissions from 6 submitters: Uncertain significance (4); Benign (1); Likely benign (1). Last evaluated 2026-08-27.

Conditions:
DSP-related disorder. Also called: DSP-related condition; DSP-related disorders.
Cardiovascular phenotype. Identifiers: MedGen CN230736.
Arrhythmogenic cardiomyopathy with wooly hair and keratoderma. Also called: Carvajal syndrome; Dilated cardiomyopathy with woolly hair and keratoderma; PALMOPLANTAR KERATODERMA WITH LEFT VENTRICULAR CARDIOMYOPATHY AND WOOLLY HAIR; Arrhythmogenic cardiomyopathy with woolly hair and keratoderma. Identifiers: Orphanet 65282, MedGen C1854063, MONDO:0011581, OMIM 605676.
Arrhythmogenic right ventricular dysplasia 8 (ARVD8). Also called: Arrhythmogenic Right Ventricular Dysplasia/Cardiomyopathy 8; ARRHYTHMOGENIC RIGHT VENTRICULAR CARDIOMYOPATHY 8; ARRHYTHMOGENIC RIGHT VENTRICULAR DYSPLASIA, FAMILIAL, 8. Identifiers: MedGen C1843896, MONDO:0011831, OMIM 607450.
Cardiomyopathy (CMYO). Also called: Cardiomyopathies. Identifiers: Orphanet 167848, MedGen C0878544, MONDO:0004994, HP:0001638. Inheritance: Various modes of inheritance.

Allele frequency attached by ClinVar (database versions not stated): gnomAD exomes 0.00002 and 0.00004; gnomAD 0.00004 and 0.00005; TOPMed 0.00004; ExAC 0.00007; 1000 Genomes Project 0.00040; 1000 Genomes Project 30x 0.00062.
gnomAD v4.1: 41 of 1,614,086 alleles (0.0025%); highest among the groups gnomAD compares: East Asian, 0.011%; no homozygotes.

Submissions (6):

PreventionGenetics, part of Exact Sciences
Classification: Uncertain significance for DSP-related condition. Last evaluated: 2026-08-27. Review status: criteria provided, single submitter. Criteria: ACMG Guidelines, 2015. Collection method: clinical testing. Allele origin: germline.
Comment: The DSP c.4915G>A variant is predicted to result in the amino acid substitution p.Val1639Met. This variant has been reported in an individual who died in their sleep and was found to have right ventricular myocardial trabeculation (Sato et al. 2015. PubMed ID: 25693453). It has also been noted in individuals with arrhythmogenic right ventricular cardiomyopathy (Supplementary Data, Ye. 2019. PubMed ID: 31402444), left ventricular noncompaction cardiomyopathy (Table S2, Mazzarotto et al. 2021. PubMed ID: 33500567), dilated cardiomyopathy and unspecified cardiomyopathy (Online Supplementary File 2, van Lint et al. 2019. PubMed ID: 30847666). This variant is reported in 0.012% of alleles in individuals of African descent in gnomAD and has conflicting classifications in ClinVar ranging from benign to uncertain (Variation ID: 180331). At this time, the clinical significance of this variant is uncertain due to the absence of conclusive functional and genetic evidence.

Labcorp Genetics (formerly Invitae), Labcorp
Classification: Benign for Arrhythmogenic cardiomyopathy with wooly hair and keratoderma; Arrhythmogenic right ventricular dysplasia 8. Last evaluated: 2026-01-28. Review status: criteria provided, single submitter. Criteria: Invitae Variant Classification Sherloc (09022015). Collection method: clinical testing. Allele origin: germline.

Ambry Genetics
Classification: Uncertain significance for Cardiovascular phenotype. Last evaluated: 2025-12-22. Review status: criteria provided, single submitter. Criteria: Ambry Variant Classification Scheme 2023. Collection method: clinical testing. Allele origin: germline.
Comment: The c.4915G>A (p.V1639M) alteration is located in exon 23 (coding exon 23) of the DSP gene. This alteration results from a G to A substitution at nucleotide position 4915, causing the valine (V) at amino acid position 1639 to be replaced by a methionine (M). Based on data from gnomAD, the A allele has an overall frequency of 0.004% (10/281674) total alleles studied. The highest observed frequency was 0.012% (3/24792) of African alleles. Based on insufficient or conflicting evidence, the clinical significance of this alteration remains unclear.

Color Diagnostics, LLC DBA Color Health
Classification: Uncertain significance for Cardiomyopathy. Last evaluated: 2025-11-20. Review status: criteria provided, single submitter. Criteria: ACMG Guidelines, 2015. Collection method: clinical testing. Allele origin: germline.
Comment: This missense variant replaces valine with methionine at codon 1639 of the DSP protein. Computational prediction suggests that this variant may not impact protein structure and function. To our knowledge, functional studies have not been reported for this variant. This variant has been reported in an individual affected with left ventricular noncompaction (PMID: 33500567), an individual affected with dilated cardiomyopathy and another with unknown cardiomyopathy (PMID: 30847666), and in an individual affected with sudden death (PMID: 25693453). This variant has been identified in 41/1614086 chromosomes in the general population by the Genome Aggregation Database (gnomAD). The available evidence is insufficient to determine the role of this variant in disease conclusively. Therefore, this variant is classified as a Variant of Uncertain Significance.

Blueprint Genetics
Classification: Likely benign. Last evaluated: 2022-12-08. Review status: criteria provided, single submitter. Criteria: ACMG Guidelines, 2015. Collection method: clinical testing. Allele origin: germline.

GeneDx
Classification: Uncertain significance. Last evaluated: 2022-07-28. Review status: criteria provided, single submitter. Criteria: GeneDx Variant Classification Process June 2021. Collection method: clinical testing. Allele origin: germline. Affected: yes.
Comment: Reported in association with sudden unexplained death and cardiomyopathies in the published literature (PMID: 31402444; 2563453;33500567; 30847666 ); In silico analysis supports that this missense variant does not alter protein structure/function; This variant is associated with the following publications: (PMID: 25693453, 33500567, 30847666, 31402444)

Literature cited by the submitters: PubMed 25693453 (cited by Color Diagnostics, LLC DBA Color Health); PubMed 30847666 (cited by Color Diagnostics, LLC DBA Color Health); PubMed 33500567 (cited by Color Diagnostics, LLC DBA Color Health).

NM_004415.4(DSP):c.4915G>A (p.Val1639Met)

Gene: DSP (desmoplakin; plus strand). Cytogenetic location: 6p24.3.
Variant type: single nucleotide variant.
Coding change: c.4915G>A on transcript NM_004415.4 (MANE Select); coding-DNA position 4915, G replaced by A.
Protein change: p.Val1639Met; replaces valine 1639 with methionine.
Molecular consequence: missense variant. On other transcripts: intron variant (2).
Genome position (GRCh38, 1-based): chr6:7,581,105, G>A. VCF-style: chr6-7581105-G-A. GRCh37 (hg19) VCF-style: chr6-7581338-G-A.
Other names: c.4050+865G>A (NM_001319034.2); c.3582+1333G>A (NM_001008844.3); c.4915G>A (LRG_423t1, NM_004415.3); short protein forms V1639M.
Identifiers: ClinVar variation 180331 (VCV000180331.21), dbSNP rs539587517, ClinGen allele CA004201.